The following is an entry in ClinVar:

ClinVar aggregate classification (germline): Uncertain significance (1 of 4 stars; one submission).

Submission:

GeneDx
Classification: Uncertain significance. Last evaluated: 2026-04-12. Review status: criteria provided, single submitter. Criteria: GeneDx Variant Classification Process June 2021. Collection method: clinical testing. Allele origin: germline.
Comment: Not observed at significant frequency in large population cohorts (gnomAD); In silico analysis supports that this missense variant has a deleterious effect on protein structure/function; Has not been previously published as pathogenic or benign to our knowledge

NM_001256012.3(MYH10):c.752G>A (p.Arg251His)

Gene: MYH10 (myosin heavy chain 10; minus strand). Cytogenetic location: 17p13.1.
Variant type: single nucleotide variant.
Coding change: c.752G>A on transcript NM_001256012.3 (MANE Select); coding-DNA position 752, G replaced by A.
Protein change: p.Arg251His; replaces arginine 251 with histidine.
Molecular consequence: missense variant.
Genome position (GRCh38, 1-based): chr17:8,569,724, C>T on the plus strand (G>A on the coding strand, the complement: MYH10 is on the minus strand). VCF-style: chr17-8569724-C-T. GRCh37 (hg19) VCF-style: chr17-8473042-C-T.
Other names: c.749G>A, p.Arg250His (NM_001256095.2); c.752G>A, p.Arg251His (NM_001375266.1); c.722G>A, p.Arg241His (NM_005964.5); short protein forms R241H, R250H, R251H.
Identifiers: ClinVar variation 5016879 (VCV005016879.1).